The following is an entry in ClinVar:

ClinVar aggregate classification (germline): Uncertain significance (1 of 4 stars; one submission).

Submission:

Mayo Clinic Laboratories, Mayo Clinic
Classification: Uncertain significance. Last evaluated: 2023-12-08. Review status: criteria provided, single submitter. Criteria: ACMG Guidelines, 2015. Collection method: clinical testing. Allele origin: germline. Observed: 2 variant alleles.
Comment: PP3, PM2_moderate

NM_001374736.1(DST):c.21674A>G (p.Glu7225Gly)

Gene: DST (dystonin; minus strand). Cytogenetic location: 6p12.1.
Variant type: single nucleotide variant.
Coding change: c.21674A>G on transcript NM_001374736.1 (MANE Select); coding-DNA position 21674, A replaced by G.
Protein change: p.Glu7225Gly; replaces glutamic acid 7225 with glycine.
Molecular consequence: missense variant.
Genome position (GRCh38, 1-based): chr6:56,477,346, T>C on the plus strand (A>G on the coding strand, the complement: DST is on the minus strand). VCF-style: chr6-56477346-T-C. GRCh37 (hg19) VCF-style: chr6-56342144-T-C.
Other names: p.Glu4602Gly; c.15317A>G, p.Glu5106Gly (NM_001144769.5); c.14903A>G, p.Glu4968Gly (NM_001144770.2); c.21674A>G, p.Glu7225Gly (NM_001374722.1); c.20714A>G, p.Glu6905Gly (NM_001374729.1); c.14456A>G, p.Glu4819Gly (NM_001374730.1); c.21701A>G, p.Glu7234Gly (NM_001374734.1); c.14783A>G, p.Glu4928Gly (NM_001386100.1, NM_183380.4); and 1 more; short protein forms E4602G, E4819G, E4928G, E4968G, E5106G, E6905G, E7225G, E7234G.
Identifiers: ClinVar variation 3379687 (VCV003379687.1).
Genomic context (GRCh38, chr6:56,477,346, plus strand): 5'-CCACACCCCTCAACTCTCAAAGCTATTGCTACTCTGAAGATTATCTGAGACACACTGACC[T>C]CCTCAAACCTCGCCCGGATGATTGTTATCCAGTGCTTAATGGTAGTGATGGAGTCGGGGT-3'
Protein context (NP_001361665.1, residues 7215-7235): WITIIRARFE[Glu7225Gly]VLAWAKQHQQ